The following is an entry in ClinVar:

NM_006445.4(PRPF8):c.2680-9G>A

Gene: PRPF8 (pre-mRNA processing factor 8; minus strand). Cytogenetic location: 17p13.3.
Variant type: single nucleotide variant.
Coding change: c.2680-9G>A on transcript NM_006445.4 (MANE Select); 9 bases into the intron before coding-DNA position 2680, G replaced by A.
Molecular consequence: intron variant.
Genome position (GRCh38, 1-based): chr17:1,675,821, C>T on the plus strand (G>A on the coding strand, the complement: PRPF8 is on the minus strand). VCF-style: chr17-1675821-C-T. GRCh37 (hg19) VCF-style: chr17-1579115-C-T.
Identifiers: ClinVar variation 321900 (VCV000321900.13), dbSNP rs886052614, ClinGen allele CA10638996.
Genomic context (GRCh38, chr17:1,675,821, plus strand): 5'-CATCATATACTGGAACGAGGTGGCTATACAGATCCATGAACTCAATGCCCACCTGTGGGA[C>T]AAGGAGGCTGGTTCACACCAATCCACCAACTGCTACCTTTGGTAGAACCAAAGGCAACTG-3'

ClinVar aggregate classification (germline): Conflicting classifications of pathogenicity. Review status: criteria provided, conflicting classifications (1 of 4 stars). 3 submissions from 3 submitters: Uncertain significance (1); Likely benign (2). Last evaluated 2026-03-16.

Conditions:
PRPF8-related disorder. Also called: PRPF8-related condition.
Retinitis pigmentosa (RP). Identifiers: Orphanet 791, MedGen C0035334, MeSH D012174, MONDO:0019200, OMIM 268000. Inheritance: Autosomal dominant, autosomal recessive and X linked inheritance.

Allele frequency attached by ClinVar (database versions not stated): TOPMed 0.00001.
gnomAD v4.1: 8 of 1,614,002 alleles (0.0005%); highest among the groups gnomAD compares: Admixed American, 0.0017%; no homozygotes.

Submissions (3):

PreventionGenetics, part of Exact Sciences
Classification: Likely benign for PRPF8-related condition. Last evaluated: 2026-03-16. Review status: criteria provided, single submitter. Criteria: ACMG Guidelines, 2015. Collection method: clinical testing. Allele origin: germline.
Comment: This variant is classified as likely benign based on ACMG/AMP sequence variant interpretation guidelines (Richards et al. 2015 PMID: 25741868, with internal and published modifications).

Labcorp Genetics (formerly Invitae), Labcorp
Classification: Likely benign. Last evaluated: 2024-04-02. Review status: criteria provided, single submitter. Criteria: Invitae Variant Classification Sherloc (09022015). Collection method: clinical testing. Allele origin: germline.

Illumina Laboratory Services, Illumina
Classification: Uncertain significance for Retinitis pigmentosa. Last evaluated: 2018-01-13. Review status: criteria provided, single submitter. Criteria: ICSL Variant Classification Criteria 13 December 2019. Collection method: clinical testing. Allele origin: germline.